The following is an entry in ClinVar:

NM_001854.4(COL11A1):c.5292A>C (p.Glu1764Asp)

Gene: COL11A1 (collagen type XI alpha 1 chain; minus strand). Cytogenetic location: 1p21.1.
Variant type: single nucleotide variant.
Coding change: c.5292A>C on transcript NM_001854.4 (MANE Select); coding-DNA position 5292, A replaced by C.
Protein change: p.Glu1764Asp; replaces glutamic acid 1764 with aspartic acid.
Molecular consequence: missense variant. On other transcripts: non-coding transcript variant (1).
Genome position (GRCh38, 1-based): chr1:102,878,148, T>G on the plus strand (A>C on the coding strand, the complement: COL11A1 is on the minus strand). VCF-style: chr1-102878148-T-G. GRCh37 (hg19) VCF-style: chr1-103343704-T-G.
Other names: c.4944A>C, p.Glu1648Asp (NM_001168249.1, NM_080630.4); c.5175A>C, p.Glu1725Asp (NM_001190709.2); c.5328A>C, p.Glu1776Asp (NM_080629.3); short protein forms E1648D, E1725D, E1764D, E1776D.
Identifiers: ClinVar variation 2505905 (VCV002505905.1), dbSNP rs756303349, ClinGen allele CA341210672.

ClinVar aggregate classification (germline): Uncertain significance (1 of 4 stars; one submission).

gnomAD v4.1: 3 of 1,612,456 alleles (0.00019%); highest among the groups gnomAD compares: Non-Finnish European, 0.00025%; no homozygotes.

Submission:

GeneDx
Classification: Uncertain significance. Last evaluated: 2022-12-14. Review status: criteria provided, single submitter. Criteria: GeneDx Variant Classification Process June 2021. Collection method: clinical testing. Allele origin: germline. Affected: yes.
Comment: Not observed at significant frequency in large population cohorts (gnomAD); In silico analysis supports that this missense variant does not alter protein structure/function; Not located in the triple helical region, where the majority of pathogenic missense variants occur (HGMD; Acke et al., 2014); Has not been previously published as pathogenic or benign to our knowledge; This variant is associated with the following publications: (PMID: 25240749)